The following is an entry in ClinVar:

ClinVar aggregate classification (germline): Likely benign. Review status: criteria provided, multiple submitters, no conflicts (2 of 4 stars). 4 submissions from 4 submitters: Likely benign (3). 1 of the submissions does not count toward it. Last evaluated 2025-12-30.

Conditions:
Hereditary cancer-predisposing syndrome. Also called: Neoplastic Syndromes, Hereditary; Hereditary neoplastic syndrome; Hereditary Cancer Syndrome; Tumor predisposition. Identifiers: Orphanet 140162, MedGen C0027672, MeSH D009386, MONDO:0015356.
Gorlin syndrome. Also called: Nevoid Basal Cell Carcinoma Syndrome; Basal cell nevus syndrome. Identifiers: Orphanet 377, MedGen C0004779, MONDO:0007187.
PTCH1-related disorder. Also called: PTCH1-related disorders; PTCH1-related condition.

Allele frequency attached by ClinVar (database versions not stated): TOPMed below 0.00001; gnomAD 0.00001.
gnomAD v4.1: 3 of 1,614,168 alleles (0.00019%); highest among the groups gnomAD compares: East Asian, 0.0022%; no homozygotes.

Submissions (4):

Labcorp Genetics (formerly Invitae), Labcorp
Classification: Likely benign for Gorlin syndrome. Last evaluated: 2025-12-30. Review status: criteria provided, single submitter. Criteria: Invitae Variant Classification Sherloc (09022015). Collection method: clinical testing. Allele origin: germline.

Mayo Clinic Laboratories, Mayo Clinic
Classification: Likely benign. Last evaluated: 2025-03-10. Review status: criteria provided, single submitter. Criteria: ACMG Guidelines, 2015. Collection method: clinical testing. Allele origin: germline. Observed: 1 variant allele.
Comment: BP4, BP7

Ambry Genetics
Classification: Likely benign for Hereditary cancer-predisposing syndrome. Last evaluated: 2022-06-27. Review status: criteria provided, single submitter. Criteria: Ambry Variant Classification Scheme 2023. Collection method: clinical testing. Allele origin: germline.

PreventionGenetics, part of Exact Sciences
Classification: Likely benign for PTCH1-related condition. Last evaluated: 2021-09-17. Review status: no assertion criteria provided. Collection method: clinical testing. Allele origin: germline. Not counted in ClinVar's aggregate classification.
Comment: This variant is classified as likely benign based on ACMG/AMP sequence variant interpretation guidelines (Richards et al. 2015 PMID: 25741868, with internal and published modifications).

NM_000264.5(PTCH1):c.2592A>G (p.Glu864=)

Gene: PTCH1 (patched 1; minus strand). Cytogenetic location: 9q22.32.
Variant type: single nucleotide variant.
Coding change: c.2592A>G on transcript NM_000264.5 (MANE Select); coding-DNA position 2592, A replaced by G.
Protein change: p.Glu864=; no amino-acid change (glutamic acid 864 retained).
Molecular consequence: synonymous variant. On other transcripts: non-coding transcript variant (1).
Genome position (GRCh38, 1-based): chr9:95,461,967, T>C on the plus strand (A>G on the coding strand, the complement: PTCH1 is on the minus strand). VCF-style: chr9-95461967-T-C. GRCh37 (hg19) VCF-style: chr9-98224249-T-C.
Other names: p.Glu864=; c.2139A>G, p.Glu713= (NM_001083604.3, NM_001083605.3, NM_001083606.3 and 1 more transcripts); c.2394A>G, p.Glu798= (NM_001083602.3); c.2589A>G, p.Glu863= (NM_001083603.3); c.2436A>G, p.Glu812= (NM_001354918.2).
Identifiers: ClinVar variation 1085744 (VCV001085744.14), dbSNP rs1839515955, ClinGen allele CA466112674.